The following is an entry in ClinVar:

ClinVar aggregate classification (germline): Uncertain significance (1 of 4 stars; one submission).

Conditions:
Hereditary cancer-predisposing syndrome. Also called: Tumor predisposition; Neoplastic Syndromes, Hereditary; Hereditary neoplastic syndrome; Hereditary Cancer Syndrome. Identifiers: Orphanet 140162, MedGen C0027672, MeSH D009386, MONDO:0015356.

gnomAD v4.1: 1 of 1,612,512 alleles (0.000062%); highest among the groups gnomAD compares: Non-Finnish European, 0.000085%; no homozygotes.

Submission:

Ambry Genetics
Classification: Uncertain significance for Hereditary cancer-predisposing syndrome. Last evaluated: 2024-12-06. Review status: criteria provided, single submitter. Criteria: Ambry Variant Classification Scheme 2023. Collection method: clinical testing. Allele origin: germline.
Comment: The p.H65Y variant (also known as c.193C>T), located in coding exon 3 of the SDHD gene, results from a C to T substitution at nucleotide position 193. The histidine at codon 65 is replaced by tyrosine, an amino acid with similar properties. In a series of 1336 individuals with renal cell carcinoma, this alteration was observed once (Yngvadottir B et al. Hum Mol Genet, 2022 Aug;31:3001-3011). This amino acid position is highly conserved in available vertebrate species. In addition, this alteration is predicted to be deleterious by in silico analysis. Based on the available evidence, the clinical significance of this variant remains unclear.

Literature cited by the submitters: PubMed 35441217.

NM_003002.4(SDHD):c.193C>T (p.His65Tyr)

Gene: SDHD (succinate dehydrogenase complex subunit D; plus strand). Cytogenetic location: 11q23.1.
Variant type: single nucleotide variant.
Coding change: c.193C>T on transcript NM_003002.4 (MANE Select); coding-DNA position 193, C replaced by T.
Protein change: p.His65Tyr; replaces histidine 65 with tyrosine.
Molecular consequence: missense variant. On other transcripts: non-coding transcript variant (1), intron variant (1).
Genome position (GRCh38, 1-based): chr11:112,088,890, C>T. VCF-style: chr11-112088890-C-T. GRCh37 (hg19) VCF-style: chr11-111959614-C-T.
Other names: c.76C>T, p.His26Tyr (NM_001276504.2); c.193C>T, p.His65Tyr (NM_001276506.2); c.169+917C>T (NM_001276503.2); short protein forms H26Y, H65Y.
Identifiers: ClinVar variation 3438812 (VCV003438812.1).
Genomic context (GRCh38, chr11:112,088,890, plus strand): 5'-CTCACATCAACTTTTATGAATCTGGTCCTTTTTGTAGCTGGCTCCAAGGCTGCATCTCTC[C>T]ACTGGACTAGCGAGAGGGTTGTCAGTGTTTTGCTCCTGGGTCTGCTTCCGGCTGCTTATT-3'
Protein context (NP_002993.1, residues 55-75): HHSGSKAASL[His65Tyr]WTSERVVSVL